The following is an entry in ClinVar:

ClinVar aggregate classification (germline): Uncertain significance (1 of 4 stars; one submission).

Allele frequency attached by ClinVar (database versions not stated): TOPMed below 0.00001; gnomAD 0.00001.
gnomAD v4.1: 9 of 1,612,830 alleles (0.00056%); highest among the groups gnomAD compares: Middle Eastern, 0.016%; no homozygotes.

Submission:

Labcorp Genetics (formerly Invitae), Labcorp
Classification: Uncertain significance. Last evaluated: 2023-10-24. Review status: criteria provided, single submitter. Criteria: Invitae Variant Classification Sherloc (09022015). Collection method: clinical testing. Allele origin: germline.
Comment: This sequence change replaces aspartic acid, which is acidic and polar, with asparagine, which is neutral and polar, at codon 154 of the NUP133 protein (p.Asp154Asn). This variant is not present in population databases (gnomAD no frequency). This variant has not been reported in the literature in individuals affected with NUP133-related conditions. Algorithms developed to predict the effect of missense changes on protein structure and function output the following: SIFT: "Not Available"; PolyPhen-2: "Benign"; Align-GVGD: "Not Available". The asparagine amino acid residue is found in multiple mammalian species, which suggests that this missense change does not adversely affect protein function. In summary, the available evidence is currently insufficient to determine the role of this variant in disease. Therefore, it has been classified as a Variant of Uncertain Significance.

NM_018230.3(NUP133):c.460G>A (p.Asp154Asn)

Gene: NUP133 (nucleoporin 133; minus strand). Cytogenetic location: 1q42.13.
Variant type: single nucleotide variant.
Coding change: c.460G>A on transcript NM_018230.3 (MANE Select); coding-DNA position 460, G replaced by A.
Protein change: p.Asp154Asn; replaces aspartic acid 154 with asparagine.
Molecular consequence: missense variant.
Genome position (GRCh38, 1-based): chr1:229,500,809, C>T on the plus strand (G>A on the coding strand, the complement: NUP133 is on the minus strand). VCF-style: chr1-229500809-C-T. GRCh37 (hg19) VCF-style: chr1-229636556-C-T.
Other names: short protein forms D154N.
Identifiers: ClinVar variation 3004462 (VCV003004462.3), dbSNP rs979828971, ClinGen allele CA38822356.